The following is an entry in ClinVar:

NM_000702.4(ATP1A2):c.789G>A (p.Thr263=)

Gene: ATP1A2 (ATPase Na+/K+ transporting subunit alpha 2; plus strand). Cytogenetic location: 1q23.2.
Variant type: single nucleotide variant.
Coding change: c.789G>A on transcript NM_000702.4 (MANE Select); coding-DNA position 789, G replaced by A.
Protein change: p.Thr263=; no amino-acid change (threonine 263 retained).
Molecular consequence: synonymous variant.
Genome position (GRCh38, 1-based): chr1:160,127,592, G>A. VCF-style: chr1-160127592-G-A. GRCh37 (hg19) VCF-style: chr1-160097382-G-A.
Identifiers: ClinVar variation 381259 (VCV000381259.16), dbSNP rs748890267, ClinGen allele CA1194291.

ClinVar aggregate classification (germline): Benign/Likely benign. Review status: criteria provided, multiple submitters, no conflicts (2 of 4 stars). 5 submissions from 5 submitters: Benign (1); Likely benign (3). 1 of the submissions does not count toward it. Last evaluated 2026-01-14.

Conditions:
ATP1A2-related disorder. Also called: ATP1A2-related condition; ATP1A2-RELATED DISORDERS.
Inborn genetic diseases. Identifiers: MedGen C0950123, MeSH D030342.
Familial hemiplegic migraine. Identifiers: MedGen C0338484, MONDO:0000700.

Allele frequency attached by ClinVar (database versions not stated): gnomAD 0.00002; TOPMed 0.00003.
gnomAD v4.1: 32 of 1,614,134 alleles (0.002%); highest among the groups gnomAD compares: East Asian, 0.027%; no homozygotes.

Submissions (5):

Labcorp Genetics (formerly Invitae), Labcorp
Classification: Likely benign for Familial hemiplegic migraine. Last evaluated: 2026-01-14. Review status: criteria provided, single submitter. Criteria: Invitae Variant Classification Sherloc (09022015). Collection method: clinical testing. Allele origin: germline.

Athena Diagnostics
Classification: Benign. Last evaluated: 2023-12-06. Review status: criteria provided, single submitter. Criteria: Athena Diagnostics Criteria. Collection method: clinical testing. Allele origin: unknown.

Ambry Genetics
Classification: Likely benign for Inborn genetic diseases. Last evaluated: 2019-05-20. Review status: criteria provided, single submitter. Criteria: Ambry Variant Classification Scheme 2023. Collection method: clinical testing. Allele origin: germline.

GeneDx
Classification: Likely benign. Last evaluated: 2015-10-30. Review status: criteria provided, single submitter. Criteria: GeneDx Variant Classification (06012015). Collection method: clinical testing. Allele origin: germline. Affected: yes.
Comment: This variant is considered likely benign or benign based on one or more of the following criteria: it is a conservative change, it occurs at a poorly conserved position in the protein, it is predicted to be benign by multiple in silico algorithms, and/or has population frequency not consistent with disease.

PreventionGenetics, part of Exact Sciences
Classification: Likely benign for ATP1A2-related condition. Last evaluated: 2019-04-02. Review status: no assertion criteria provided. Collection method: clinical testing. Allele origin: germline. Not counted in ClinVar's aggregate classification.
Comment: This variant is classified as likely benign based on ACMG/AMP sequence variant interpretation guidelines (Richards et al. 2015 PMID: 25741868, with internal and published modifications).